The following is an entry in ClinVar:

ClinVar aggregate classification (germline): Pathogenic (0 of 4 stars; one submission).

Conditions:
Steinert myotonic dystrophy syndrome (DM1). Also called: STEINERT DISEASE; Myotonic dystrophy type 1; Dystrophia myotonica type 1; Steinert myotonic dystrophy; Steinert's disease. Identifiers: Orphanet 273, MedGen C3250443, MONDO:0008056, OMIM 160900.

Submission:

Institute of Molecular, Cell and Systems Biology, University of Glasgow
Classification: Pathogenic for Steinert myotonic dystrophy syndrome. Review status: no assertion criteria provided. Criteria: research. Collection method: research. Allele origin: germline. Inheritance: Autosomal dominant inheritance. Affected: yes. Observed: 1 heterozygote.
Comment: DMPK CTG repeat expansions greater than approximately 45-50 repeats are assumed to be pathogenic

This record is based on data published in PubMed 25052313, which reports only ClinVar accessions SCV000120188 and SCV000120189. The complete data set includes SCV000207445 - SCV000207579.

Literature cited by the submitters: PubMed 1346923; PubMed 1546326; PubMed 25052313.

NM_004409.5(DMPK):c.*224CTG[780]

Genes: DM1-AS (DM1 locus antisense RNA; plus strand), DMPK (DM1 protein kinase; minus strand), LOC107075317 (origin of replication in DMPK trinucleotide repeat region; plus strand), LOC109461477 (dystrophia myotonica protein kinase repeat instability region; plus strand). Cytogenetic location: 19q13.32.
Variant type: Microsatellite.
Coding change: c.*224CTG[780] on transcript NM_004409.5 (MANE Select); 780 copies in a row of the 3-base unit CTG starting at c.*224.
Molecular consequence: 3 prime UTR variant.
Genome position: GRCh38, VCF-style position (the base before the change): chr19:45,770,204. GRCh37 (hg19), VCF-style position (the base before the change): chr19:46,273,462.
Other names: DM1 CTG repeat expansion; c.*217CTG[780] (NM_001424163.1, NM_001424166.1, NM_001081562.3 and 2 more transcripts); c.*369CTG[780] (NM_001424164.1, NM_001424168.1, NM_001288766.2); c.*224CTG[780] (NM_001424165.1, NM_001424169.1, NM_001081560.3 and 1 more transcripts); c.*222_*224TGC[780] (NM_001081563.3).
Identifiers: ClinVar variation 188030 (VCV000188030.1), ClinGen allele CA915951860.